The following is an entry in ClinVar:

ClinVar aggregate classification (germline): Pathogenic. Review status: criteria provided, multiple submitters, no conflicts (2 of 4 stars). 5 submissions from 5 submitters: Pathogenic (4). 1 of the submissions does not count toward it. Last evaluated 2025-08-15.

Conditions:
CNGB3-related disorder. Also called: CNGB3-related condition; CNGB3-related disorders. Identifiers: MedGen CN239340.
Achromatopsia 3 (ACHM3). Also called: ACHROMATOPSIA WITH MYOPIA; PINGELAPESE BLINDNESS; TOTAL COLORBLINDNESS WITH MYOPIA; ROD MONOCHROMACY 1; ROD MONOCHROMATISM 1. Identifiers: Orphanet 49382, MedGen C1849792, MONDO:0009875, OMIM 262300.

gnomAD v4.1: 10 of 1,613,932 alleles (0.00062%); highest among the groups gnomAD compares: Non-Finnish European, 0.00085%; no homozygotes.

Submissions (5):

Myriad Genetics, Inc.
Classification: Pathogenic for Achromatopsia 3. Last evaluated: 2025-08-15. Review status: criteria provided, single submitter. Criteria: Myriad Autosomal Dominant, Autosomal Recessive and X-Linked Classification Criteria (2023). Collection method: clinical testing. Allele origin: unknown.
Comment: NM_019098.4(CNGB3):c.1426C>T(Q476*) is a nonsense variant classified as pathogenic in the context of achromatopsia, CNGB3-related. Q476* has been observed in a case with relevant disease (PMID: 28795510). Relevant functional assessments of this variant are not available in the literature. Q476* has not been observed in referenced population frequency databases. In summary, NM_019098.4(CNGB3):c.1426C>T(Q476*) is a nonsense variant in a gene where loss of function is a known mechanism of disease, is predicted to disrupt protein function, and has been observed more frequently in cases with the relevant disease than in healthy populations. Please note: this variant was assessed in the context of healthy population screening.

Blueprint Genetics
Classification: Pathogenic for CNGB3-related disorders. Last evaluated: 2024-08-29. Review status: criteria provided, single submitter. Criteria: ACMG Guidelines, 2015. Collection method: clinical testing. Allele origin: germline. Affected: yes. Observed: 2 variant alleles.

Fulgent Genetics
Classification: Pathogenic for Achromatopsia 3. Last evaluated: 2024-05-29. Review status: criteria provided, single submitter. Criteria: ACMG Guidelines, 2015. Collection method: clinical testing. Allele origin: germline.

Labcorp Genetics (formerly Invitae), Labcorp
Classification: Pathogenic. Last evaluated: 2021-12-25. Review status: criteria provided, single submitter. Criteria: Invitae Variant Classification Sherloc (09022015). Collection method: clinical testing. Allele origin: germline.
Comment: This sequence change creates a premature translational stop signal (p.Gln476*) in the CNGB3 gene. It is expected to result in an absent or disrupted protein product. Loss-of-function variants in CNGB3 are known to be pathogenic (PMID: 28795510). This variant is not present in population databases (gnomAD no frequency). For these reasons, this variant has been classified as Pathogenic. ClinVar contains an entry for this variant (Variation ID: 427691). This premature translational stop signal has been observed in individual(s) with clinical features of achromatopsia (PMID: 28341476, 28795510).

Molecular Genetics Laboratory, Institute for Ophthalmic Research
Classification: Pathogenic for ACHM3. Last evaluated: 2017-03-27. Review status: no assertion criteria provided. Collection method: research. Allele origin: germline. Affected: yes. Not counted in ClinVar's aggregate classification.

Literature cited by the submitters: PubMed 28795510 (cited by 3 submitters); PubMed 28341476 (cited by Labcorp Genetics (formerly Invitae), Labcorp).

NM_019098.5(CNGB3):c.1426C>T (p.Gln476Ter)

Gene: CNGB3 (cyclic nucleotide gated channel subunit beta 3; minus strand). Cytogenetic location: 8q21.3.
Variant type: single nucleotide variant.
Coding change: c.1426C>T on transcript NM_019098.5 (MANE Select); coding-DNA position 1426, C replaced by T.
Protein change: p.Gln476Ter; replaces glutamine 476 with a stop codon.
Molecular consequence: nonsense.
Genome position (GRCh38, 1-based): chr8:86,628,973, G>A on the plus strand (C>T on the coding strand, the complement: CNGB3 is on the minus strand). VCF-style: chr8-86628973-G-A. GRCh37 (hg19) VCF-style: chr8-87641201-G-A.
Other names: short protein forms Q476*.
Identifiers: ClinVar variation 427691 (VCV000427691.9), dbSNP rs1554610284, ClinGen allele CA371443304.
Genomic context (GRCh38, chr8:86,628,973, plus strand): 5'-GCTTACCTAGCATTCTTTGAGAGTCCCATGTATATTCATACCAAGTCCGAACTCGCTTTT[G>A]CACAAGTTTAGGAATGGAGTAATTGTTCATGTAGGCAATGGTGTCATCCATGCAGGCGCG-3'